The following is an entry in ClinVar:

ClinVar aggregate classification (germline): Conflicting classifications of pathogenicity. Review status: criteria provided, conflicting classifications (1 of 4 stars). 2 submissions from 2 submitters: Likely pathogenic (1); Uncertain significance (1). Last evaluated 2025-08-03.

Submissions (2):

GeneDx
Classification: Likely pathogenic. Last evaluated: 2025-08-03. Review status: criteria provided, single submitter. Criteria: GeneDx Variant Classification Process June 2021. Collection method: clinical testing. Allele origin: germline.
Comment: Intronic variant directly or indirectly altering the +5 splice site in a gene for which loss of function is a known mechanism of disease, and splice predictors support a deleterious effect; Not observed at significant frequency in large population cohorts (gnomAD); Has not been previously published as pathogenic or benign to our knowledge

Blueprint Genetics
Classification: Uncertain significance. Last evaluated: 2024-06-20. Review status: criteria provided, single submitter. Criteria: ACMG Guidelines, 2015. Collection method: clinical testing. Allele origin: germline.

NM_001127222.2(CACNA1A):c.3692+5G>A

Gene: CACNA1A (calcium voltage-gated channel subunit alpha1 A; minus strand). Cytogenetic location: 19p13.13.
Variant type: single nucleotide variant.
Coding change: c.3692+5G>A on transcript NM_001127222.2 (MANE Select); 5 bases into the intron after coding-DNA position 3692, G replaced by A.
Molecular consequence: intron variant.
Genome position (GRCh38, 1-based): chr19:13,285,063, C>T on the plus strand (G>A on the coding strand, the complement: CACNA1A is on the minus strand). VCF-style: chr19-13285063-C-T. GRCh37 (hg19) VCF-style: chr19-13395877-C-T.
Other names: c.3695+5G>A (NM_001127221.2, NM_001174080.2); c.3704+5G>A (NM_000068.4, NM_023035.3).
Identifiers: ClinVar variation 3899174 (VCV003899174.3).